The following is an entry in ClinVar:

NM_005120.3(MED12):c.2632G>A (p.Asp878Asn)

Gene: MED12 (mediator complex subunit 12; plus strand). Cytogenetic location: Xq13.1.
Variant type: single nucleotide variant.
Coding change: c.2632G>A on transcript NM_005120.3 (MANE Select); coding-DNA position 2632, G replaced by A.
Protein change: p.Asp878Asn; replaces aspartic acid 878 with asparagine.
Molecular consequence: missense variant.
Genome position (GRCh38, 1-based): chrX:71,126,431, G>A. VCF-style: chrX-71126431-G-A. GRCh37 (hg19) VCF-style: chrX-70346281-G-A.
Other names: short protein forms D878N.
Identifiers: ClinVar variation 3372644 (VCV003372644.1).

ClinVar aggregate classification (germline): Uncertain significance (1 of 4 stars; one submission).

Submission:

GeneDx
Classification: Uncertain significance. Last evaluated: 2024-04-16. Review status: criteria provided, single submitter. Criteria: GeneDx Variant Classification Process June 2021. Collection method: clinical testing. Allele origin: germline. Affected: yes.
Comment: Not observed at significant frequency in large population cohorts (gnomAD); In silico analysis supports that this missense variant has a deleterious effect on protein structure/function; Has not been previously published as pathogenic or benign to our knowledge; This variant is associated with the following publications: (PMID: 38149583)